The following is an entry in ClinVar:

NM_000138.5(FBN1):c.5296+6T>C

Gene: FBN1 (fibrillin 1; minus strand). Cytogenetic location: 15q21.1.
Variant type: single nucleotide variant.
Coding change: c.5296+6T>C on transcript NM_000138.5 (MANE Select); 6 bases into the intron after coding-DNA position 5296, T replaced by C.
Molecular consequence: intron variant.
Genome position (GRCh38, 1-based): chr15:48,460,240, A>G on the plus strand (T>C on the coding strand, the complement: FBN1 is on the minus strand). VCF-style: chr15-48460240-A-G. GRCh37 (hg19) VCF-style: chr15-48752437-A-G.
Other names: c.5296+6T>C (NM_000138.4).
Identifiers: ClinVar variation 547330 (VCV000547330.5), dbSNP rs1555396629, ClinGen allele CA658824304.

ClinVar aggregate classification (germline): Conflicting classifications of pathogenicity. Review status: criteria provided, conflicting classifications (1 of 4 stars). 3 submissions from 3 submitters: Likely pathogenic (1); Uncertain significance (2). Last evaluated 2025-04-09.

Conditions:
Cardiovascular phenotype. Identifiers: MedGen CN230736.
Familial thoracic aortic aneurysm and aortic dissection (TAAD). Also called: Thoracic aortic aneurysms and dissections. Identifiers: Orphanet 91387, MedGen C4707243, MONDO:0019625.
Marfan syndrome (MFS). Also called: Marfan syndrome type 1; Marfan syndrome, classic; Marfan's syndrome; FBN1-Related Marfan Syndrome; MARFAN SYNDROME, TYPE I. Identifiers: Orphanet 284963, Orphanet 558, MedGen C0024796, MONDO:0007947, OMIM 154700.

Submissions (3):

Molecular Diagnostic Laboratory for Inherited Cardiovascular Disease, Montreal Heart Institute
Classification: Uncertain significance for Cardiovascular phenotype. Last evaluated: 2025-04-09. Review status: criteria provided, single submitter. Criteria: ACMG Guidelines, 2015. Collection method: clinical testing. Allele origin: germline. Affected: yes.
Comment: PVS1_mod, PM2

Labcorp Genetics (formerly Invitae), Labcorp
Classification: Uncertain significance for Marfan syndrome; Familial thoracic aortic aneurysm and aortic dissection. Last evaluated: 2025-01-14. Review status: criteria provided, single submitter. Criteria: Invitae Variant Classification Sherloc (09022015). Collection method: clinical testing. Allele origin: germline.
Comment: This sequence change falls in intron 43 of the FBN1 gene. It does not directly change the encoded amino acid sequence of the FBN1 protein. It affects a nucleotide within the consensus splice site. This variant is not present in population databases (gnomAD no frequency). This variant has not been reported in the literature in individuals affected with FBN1-related conditions. ClinVar contains an entry for this variant (Variation ID: 547330). Variants that disrupt the consensus splice site are a relatively common cause of aberrant splicing (PMID: 17576681, 9536098). Algorithms developed to predict the effect of sequence changes on RNA splicing suggest that this variant may disrupt the consensus splice site. In summary, the available evidence is currently insufficient to determine the role of this variant in disease. Therefore, it has been classified as a Variant of Uncertain Significance.

Center for Human Genetics, Inc
Classification: Likely pathogenic for Marfan syndrome. Last evaluated: 2016-11-01. Review status: criteria provided, single submitter. Criteria: ACMG Guidelines, 2015. Collection method: clinical testing. Allele origin: germline. Affected: yes.

Literature cited by the submitters: PubMed 17576681 (cited by Labcorp Genetics (formerly Invitae), Labcorp); PubMed 9536098 (cited by Labcorp Genetics (formerly Invitae), Labcorp).